The following is an entry in ClinVar:

NM_001374828.1(ARID1B):c.5676C>T (p.Asp1892=)

Gene: ARID1B (AT-rich interaction domain 1B; plus strand). Cytogenetic location: 6q25.3.
Variant type: single nucleotide variant.
Coding change: c.5676C>T on transcript NM_001374828.1 (MANE Select); coding-DNA position 5676, C replaced by T.
Protein change: p.Asp1892=; no amino-acid change (aspartic acid 1892 retained).
Molecular consequence: synonymous variant.
Genome position (GRCh38, 1-based): chr6:157,206,448, C>T. VCF-style: chr6-157206448-C-T. GRCh37 (hg19) VCF-style: chr6-157527582-C-T.
Other names: c.5307C>T, p.Asp1769= (NM_020732.3); c.3177C>T, p.Asp1059= (NM_001363725.2); c.5556C>T, p.Asp1852= (NM_001371656.1, NM_001374820.1); c.5517C>T, p.Asp1839= (NM_017519.3).
Identifiers: ClinVar variation 588767 (VCV000588767.10), dbSNP rs537400492, ClinGen allele CA4067882.

ClinVar aggregate classification (germline): Benign/Likely benign. Review status: criteria provided, multiple submitters, no conflicts (2 of 4 stars). 3 submissions from 3 submitters: Benign (1); Likely benign (1). 1 of the submissions does not count toward it. Last evaluated 2025-06-01.

Conditions:
ARID1B-Related Disorder. Identifiers: MedGen CN381337.
Inborn genetic diseases. Identifiers: MedGen C0950123, MeSH D030342.

Allele frequency attached by ClinVar (database versions not stated): TOPMed 0.00002; ExAC 0.00003; gnomAD exomes 0.00003; gnomAD 0.00004; 1000 Genomes Project 30x 0.00016; 1000 Genomes Project 0.00020.
gnomAD v4.1: 45 of 1,614,054 alleles (0.0028%); highest among the groups gnomAD compares: South Asian, 0.0077%; no homozygotes.

Submissions (3):

Labcorp Genetics (formerly Invitae), Labcorp
Classification: Benign. Last evaluated: 2025-06-01. Review status: criteria provided, single submitter. Criteria: Invitae Variant Classification Sherloc (09022015). Collection method: clinical testing. Allele origin: germline.

Ambry Genetics
Classification: Likely benign for Inborn genetic diseases. Last evaluated: 2017-02-10. Review status: criteria provided, single submitter. Criteria: Ambry Variant Classification Scheme 2023. Collection method: clinical testing. Allele origin: germline.

PreventionGenetics, part of Exact Sciences
Classification: Likely benign for ARID1B-related condition. Last evaluated: 2023-02-08. Review status: no assertion criteria provided. Collection method: clinical testing. Allele origin: germline. Not counted in ClinVar's aggregate classification.
Comment: This variant is classified as likely benign based on ACMG/AMP sequence variant interpretation guidelines (Richards et al. 2015 PMID: 25741868, with internal and published modifications).